The following is an entry in ClinVar:

ClinVar aggregate classification (germline): Conflicting classifications of pathogenicity. Review status: criteria provided, conflicting classifications (1 of 4 stars). 3 submissions from 3 submitters: Uncertain significance (2); Likely benign (1). Last evaluated 2025-09-05.

Conditions:
Inborn genetic diseases. Identifiers: MedGen C0950123, MeSH D030342.

Allele frequency attached by ClinVar (database versions not stated): ExAC 0.00001; gnomAD exomes 0.00001.
gnomAD v4.1: 18 of 1,614,080 alleles (0.0011%); highest among the groups gnomAD compares: Admixed American, 0.0017%; no homozygotes.

Submissions (3):

Ambry Genetics
Classification: Uncertain significance for Inborn genetic diseases. Last evaluated: 2025-09-05. Review status: criteria provided, single submitter. Criteria: Ambry Variant Classification Scheme 2023. Collection method: clinical testing. Allele origin: germline.

Labcorp Genetics (formerly Invitae), Labcorp
Classification: Uncertain significance. Last evaluated: 2024-01-15. Review status: criteria provided, single submitter. Criteria: Invitae Variant Classification Sherloc (09022015). Collection method: clinical testing. Allele origin: germline.
Comment: This sequence change replaces proline, which is neutral and non-polar, with serine, which is neutral and polar, at codon 1713 of the HIVEP2 protein (p.Pro1713Ser). This variant is present in population databases (rs777898357, gnomAD 0.002%). This variant has not been reported in the literature in individuals affected with HIVEP2-related conditions. ClinVar contains an entry for this variant (Variation ID: 2656952). Advanced modeling of protein sequence and biophysical properties (such as structural, functional, and spatial information, amino acid conservation, physicochemical variation, residue mobility, and thermodynamic stability) performed at Invitae indicates that this missense variant is not expected to disrupt HIVEP2 protein function with a negative predictive value of 80%. In summary, the available evidence is currently insufficient to determine the role of this variant in disease. Therefore, it has been classified as a Variant of Uncertain Significance.

CeGaT Center for Human Genetics Tuebingen
Classification: Likely benign. Last evaluated: 2023-05-01. Review status: criteria provided, single submitter. Criteria: CeGaT Center For Human Genetics Tuebingen Variant Classification Criteria Version 2. Collection method: clinical testing. Allele origin: germline. Affected: yes. Observed: 1 variant allele.
Comment: HIVEP2: BP5

NM_006734.4(HIVEP2):c.5137C>T (p.Pro1713Ser)

Gene: HIVEP2 (HIVEP zinc finger 2; minus strand). Cytogenetic location: 6q24.2.
Variant type: single nucleotide variant.
Coding change: c.5137C>T on transcript NM_006734.4 (MANE Select); coding-DNA position 5137, C replaced by T.
Protein change: p.Pro1713Ser; replaces proline 1713 with serine.
Molecular consequence: missense variant.
Genome position (GRCh38, 1-based): chr6:142,769,602, G>A on the plus strand (C>T on the coding strand, the complement: HIVEP2 is on the minus strand). VCF-style: chr6-142769602-G-A. GRCh37 (hg19) VCF-style: chr6-143090739-G-A.
Other names: c.5137C>T (NM_006734.3); short protein forms P1713S.
Identifiers: ClinVar variation 2656952 (VCV002656952.28), dbSNP rs777898357, ClinGen allele CA4027958.